The following is an entry in ClinVar:

NM_001287491.2(TET3):c.4705G>C (p.Ala1569Pro)

Gene: TET3 (tet methylcytosine dioxygenase 3; plus strand). Cytogenetic location: 2p13.1.
Variant type: single nucleotide variant.
Coding change: c.4705G>C on transcript NM_001287491.2 (MANE Select); coding-DNA position 4705, G replaced by C.
Protein change: p.Ala1569Pro; replaces alanine 1569 with proline.
Molecular consequence: missense variant.
Genome position (GRCh38, 1-based): chr2:74,101,493, G>C. VCF-style: chr2-74101493-G-C. GRCh37 (hg19) VCF-style: chr2-74328620-G-C.
Other names: c.4426G>C, p.Ala1476Pro (NM_001366022.1); short protein forms A1476P, A1569P.
Identifiers: ClinVar variation 3371004 (VCV003371004.1).

ClinVar aggregate classification (germline): Uncertain significance (1 of 4 stars; one submission).

gnomAD v4.1: 1 of 1,613,146 alleles (0.000062%); highest among the groups gnomAD compares: Admixed American, 0.0017%; no homozygotes.

Submission:

GeneDx
Classification: Uncertain significance. Last evaluated: 2024-03-14. Review status: criteria provided, single submitter. Criteria: GeneDx Variant Classification Process June 2021. Collection method: clinical testing. Allele origin: germline. Affected: yes.
Comment: Not observed at significant frequency in large population cohorts (gnomAD); In silico analysis supports that this missense variant does not alter protein structure/function; Has not been previously published as pathogenic or benign to our knowledge